The following is an entry in ClinVar:

ClinVar aggregate classification (germline): Uncertain significance (1 of 4 stars; one submission).

Conditions:
Neuroblastoma, susceptibility to, 3. Also called: ALK-Related Neuroblastic Tumor Susceptibility. Identifiers: Orphanet 635, MedGen C2751681, MONDO:0013083, OMIM 613014.

Allele frequency attached by ClinVar (database versions not stated): gnomAD exomes below 0.00001.
gnomAD v4.1: 1 of 1,610,452 alleles (0.000062%); highest among the groups gnomAD compares: Non-Finnish European, 0.000085%; no homozygotes.

Submission:

Labcorp Genetics (formerly Invitae), Labcorp
Classification: Uncertain significance for Neuroblastoma, susceptibility to, 3. Last evaluated: 2025-03-04. Review status: criteria provided, single submitter. Criteria: Invitae Variant Classification Sherloc (09022015). Collection method: clinical testing. Allele origin: germline.
Comment: This sequence change falls in intron 26 of the ALK gene. It does not directly change the encoded amino acid sequence of the ALK protein. It affects a nucleotide within the consensus splice site. This variant is not present in population databases (gnomAD no frequency). This variant has not been reported in the literature in individuals affected with ALK-related conditions. ClinVar contains an entry for this variant (Variation ID: 1947269). Variants that disrupt the consensus splice site are a relatively common cause of aberrant splicing (PMID: 17576681, 9536098). Algorithms developed to predict the effect of sequence changes on RNA splicing suggest that this variant is not likely to affect RNA splicing. In summary, the available evidence is currently insufficient to determine the role of this variant in disease. Therefore, it has been classified as a Variant of Uncertain Significance.

Literature cited by the submitters: PubMed 17576681; PubMed 9536098.

NM_004304.5(ALK):c.3938+6T>A

Gene: ALK (ALK receptor tyrosine kinase; minus strand). Cytogenetic location: 2p23.2.
Variant type: single nucleotide variant.
Coding change: c.3938+6T>A on transcript NM_004304.5 (MANE Select); 6 bases into the intron after coding-DNA position 3938, T replaced by A.
Molecular consequence: intron variant.
Genome position (GRCh38, 1-based): chr2:29,207,165, A>T on the plus strand (T>A on the coding strand, the complement: ALK is on the minus strand). VCF-style: chr2-29207165-A-T. GRCh37 (hg19) VCF-style: chr2-29430031-A-T.
Other names: c.734+6T>A (NM_001353765.2).
Identifiers: ClinVar variation 1947269 (VCV001947269.5), dbSNP rs2148151906, ClinGen allele CA2580066456.